The following is an entry in ClinVar:

ClinVar aggregate classification (germline): Uncertain significance (1 of 4 stars; one submission).

Conditions:
Severe combined immunodeficiency due to CORO1A deficiency. Also called: IMMUNODEFICIENCY 8 WITH LYMPHOPROLIFERATION; Immunodeficiency 8. Identifiers: Orphanet 228003, MedGen C3809383, MONDO:0014168, OMIM 615401.

Allele frequency attached by ClinVar (database versions not stated): gnomAD exomes below 0.00001.

Submission:

Labcorp Genetics (formerly Invitae), Labcorp
Classification: Uncertain significance for Severe combined immunodeficiency due to CORO1A deficiency. Last evaluated: 2022-09-19. Review status: criteria provided, single submitter. Criteria: Invitae Variant Classification Sherloc (09022015). Collection method: clinical testing. Allele origin: germline.
Comment: ClinVar contains an entry for this variant (Variation ID: 1389044). In summary, the available evidence is currently insufficient to determine the role of this variant in disease. Therefore, it has been classified as a Variant of Uncertain Significance. Algorithms developed to predict the effect of sequence changes on RNA splicing suggest that this variant may create or strengthen a splice site. Advanced modeling of protein sequence and biophysical properties (such as structural, functional, and spatial information, amino acid conservation, physicochemical variation, residue mobility, and thermodynamic stability) performed at Invitae indicates that this missense variant is not expected to disrupt CORO1A protein function. This variant has not been reported in the literature in individuals affected with CORO1A-related conditions. This variant is not present in population databases (gnomAD no frequency). This sequence change replaces asparagine, which is neutral and polar, with serine, which is neutral and polar, at codon 43 of the CORO1A protein (p.Asn43Ser).

NM_007074.4(CORO1A):c.128A>G (p.Asn43Ser)

Gene: CORO1A (coronin 1A; plus strand). Cytogenetic location: 16p11.2.
Variant type: single nucleotide variant.
Coding change: c.128A>G on transcript NM_007074.4 (MANE Select); coding-DNA position 128, A replaced by G.
Protein change: p.Asn43Ser; replaces asparagine 43 with serine.
Molecular consequence: missense variant.
Genome position (GRCh38, 1-based): chr16:30,185,337, A>G. VCF-style: chr16-30185337-A-G. GRCh37 (hg19) VCF-style: chr16-30196658-A-G.
Other names: c.128A>G, p.Asn43Ser (NM_001193333.3); short protein forms N43S.
Identifiers: ClinVar variation 1389044 (VCV001389044.6), dbSNP rs917206144, ClinGen allele CA280449319.